The following is an entry in ClinVar:

ClinVar aggregate classification (germline): Likely benign (0 of 4 stars; one submission).

Conditions:
DGKA-related disorder. Also called: DGKA-related condition.

Allele frequency attached by ClinVar (database versions not stated): ExAC 0.00006; gnomAD 0.00006; TOPMed 0.00006; gnomAD exomes 0.00009; 1000 Genomes Project 30x 0.00016; 1000 Genomes Project 0.00020.
gnomAD v4.1: 130 of 1,614,080 alleles (0.0081%); highest among the groups gnomAD compares: Non-Finnish European, 0.01%; no homozygotes.

Submission:

PreventionGenetics, part of Exact Sciences
Classification: Likely benign for DGKA-related condition. Last evaluated: 2020-01-09. Review status: no assertion criteria provided. Collection method: clinical testing. Allele origin: germline.
Comment: This variant is classified as likely benign based on ACMG/AMP sequence variant interpretation guidelines (Richards et al. 2015 PMID: 25741868, with internal and published modifications).

NM_001345.5(DGKA):c.1677C>T (p.Phe559=)

Gene: DGKA (diacylglycerol kinase alpha; plus strand). Cytogenetic location: 12q13.2.
Variant type: single nucleotide variant.
Coding change: c.1677C>T on transcript NM_001345.5 (MANE Select); coding-DNA position 1677, C replaced by T.
Protein change: p.Phe559=; no amino-acid change (phenylalanine 559 retained).
Molecular consequence: synonymous variant. On other transcripts: non-coding transcript variant (2).
Genome position (GRCh38, 1-based): chr12:55,952,365, C>T. VCF-style: chr12-55952365-C-T. GRCh37 (hg19) VCF-style: chr12-56346149-C-T.
Other names: c.1677C>T, p.Phe559= (NM_001351033.2, NM_001351034.2, NM_001413596.1 and 5 more transcripts); c.1791C>T, p.Phe597= (NM_001351035.1); c.1254C>T, p.Phe418= (NM_001351036.2, NM_001351037.1); c.615C>T, p.Phe205= (NM_001351038.2, NM_001351039.2, NM_001351040.2); c.1653C>T, p.Phe551= (NM_001413599.1, NM_001413600.1, NM_001413601.1); c.1602C>T, p.Phe534= (NM_001413602.1, NM_001413603.1); c.1494C>T, p.Phe498= (NM_001413604.1).
Identifiers: ClinVar variation 3051663 (VCV003051663.2), dbSNP rs546159503, ClinGen allele CA6619656.